The following is an entry in ClinVar:

NM_003482.4(KMT2D):c.15673C>T (p.Arg5225Cys)

Gene: KMT2D (lysine methyltransferase 2D; minus strand). Cytogenetic location: 12q13.12.
Variant type: single nucleotide variant.
Coding change: c.15673C>T on transcript NM_003482.4 (MANE Select); coding-DNA position 15673, C replaced by T.
Protein change: p.Arg5225Cys; replaces arginine 5225 with cysteine.
Molecular consequence: missense variant.
Genome position (GRCh38, 1-based): chr12:49,026,293, G>A on the plus strand (C>T on the coding strand, the complement: KMT2D is on the minus strand). VCF-style: chr12-49026293-G-A. GRCh37 (hg19) VCF-style: chr12-49420076-G-A.
Other names: short protein forms R5225C.
Identifiers: ClinVar variation 981670 (VCV000981670.17), dbSNP rs1942584412, ClinGen allele CA384685781.
Genomic context (GRCh38, chr12:49,026,293, plus strand): 5'-CTTTGATTACAAACTCCGGCCGCCCGTTGTTCTCACCAATAGAACAGCGATAGCAGCAGC[G>A]ACGATTGTTGGTGCGGAGGCTCCAATAGATGCGCGTGGCCTCGTAGCCCACGGGATAGAG-3'
Protein context (NP_003473.3, residues 5215-5235): IYWSLRTNNR[Arg5225Cys]CCYRCSIGEN

ClinVar aggregate classification (germline): Pathogenic/Likely pathogenic. Review status: criteria provided, multiple submitters, no conflicts (2 of 4 stars). 6 submissions from 6 submitters: Pathogenic (4); Likely pathogenic (1). 1 of the submissions does not count toward it. Last evaluated 2025-01-30.

Conditions:
KMT2D-related disorder. Also called: KMT2D-Related Disorders.
Inborn genetic diseases. Identifiers: MedGen C0950123, MeSH D030342.
Kabuki syndrome. Also called: NIIKAWA-KUROKI SYNDROME; Kabuki make-up syndrome. Identifiers: Orphanet 2322, MedGen C0796004, MONDO:0016512.
Kabuki syndrome 1 (KABUK1). Also called: KMT2D-Related Kabuki Syndrome. Identifiers: Orphanet 2322, MedGen CN030661, MONDO:0007843, OMIM 147920.

Allele frequency attached by ClinVar (database versions not stated): gnomAD exomes below 0.00001.
gnomAD v4.1: 1 of 1,611,864 alleles (0.000062%); highest among the groups gnomAD compares: Non-Finnish European, 0.000085%; no homozygotes.

Submissions (6):

Labcorp Genetics (formerly Invitae), Labcorp
Classification: Pathogenic for Kabuki syndrome. Last evaluated: 2025-01-30. Review status: criteria provided, single submitter. Criteria: Invitae Variant Classification Sherloc (09022015). Collection method: clinical testing. Allele origin: germline.
Comment: This sequence change replaces arginine, which is basic and polar, with cysteine, which is neutral and slightly polar, at codon 5225 of the KMT2D protein (p.Arg5225Cys). This variant is not present in population databases (gnomAD no frequency). This missense change has been observed in individual(s) with Kabuki Syndrome (PMID: 27302555). In at least one individual the variant was observed to be de novo. ClinVar contains an entry for this variant (Variation ID: 981670). Invitae Evidence Modeling of protein sequence and biophysical properties (such as structural, functional, and spatial information, amino acid conservation, physicochemical variation, residue mobility, and thermodynamic stability) indicates that this missense variant is expected to disrupt KMT2D protein function with a positive predictive value of 95%. For these reasons, this variant has been classified as Pathogenic.

Ambry Genetics
Classification: Pathogenic for Inborn genetic diseases. Last evaluated: 2024-07-05. Review status: criteria provided, single submitter. Criteria: Ambry Variant Classification Scheme 2023. Collection method: clinical testing. Allele origin: germline.
Comment: The c.15673C>T (p.R5225C) alteration is located in exon 48 (coding exon 48) of the KMT2D gene. This alteration results from a C to T substitution at nucleotide position 15673, causing the arginine (R) at amino acid position 5225 to be replaced by a cysteine (C). This variant was not reported in population-based cohorts in the Genome Aggregation Database (gnomAD). This variant has been determined to be the result of a de novo mutation in multiple individuals with features consistent with Kabuki syndrome (B&ouml;gershausen, 2016; Reuter, 2020; Yan, 2023). This amino acid position is highly conserved in available vertebrate species. This alteration is predicted to be deleterious by in silico analysis. Based on the available evidence, this alteration is classified as pathogenic.

GeneDx
Classification: Pathogenic. Last evaluated: 2023-08-30. Review status: criteria provided, single submitter. Criteria: GeneDx Variant Classification Process June 2021. Collection method: clinical testing. Allele origin: germline. Affected: yes.
Comment: Not observed at significant frequency in large population cohorts (gnomAD); In silico analysis supports that this missense variant has a deleterious effect on protein structure/function; This variant is associated with the following publications: (PMID: 30459467, 27302555, 32037394)

3billion
Classification: Pathogenic for Kabuki syndrome 1. Last evaluated: 2021-10-02. Review status: criteria provided, single submitter. Criteria: ACMG Guidelines, 2015. Collection method: clinical testing. Allele origin: germline. Affected: yes. Observed: 1 heterozygote.
Comment: Same nucleotide change resulting in same amino acid change has been previously reported as de novoo in similarly affected unrelated individuals ( PMID: 32037394, PS2). The variant was observed as assumed (i.e. paternity and maternity not confirmed) de novoo (3billion dataset, PM6). It is not observed in the gnomAD v2.1.1 dataset (PM2). In silico tool predictions suggest damaging effect of the variant on gene or gene product (REVEL: 0.807, PP3). Therefore, this variant is classified as pathogenic according to the recommendation of ACMG/AMP guideline.

Blueprint Genetics
Classification: Likely pathogenic for KMT2D-related disorders. Last evaluated: 2020-07-30. Review status: criteria provided, single submitter. Criteria: ACMG Guidelines, 2015. Collection method: clinical testing. Allele origin: germline. Affected: yes. Observed: 1 variant allele.

Autoinflammatory diseases unit, CHU de Montpellier
Classification: Pathogenic for Kabuki syndrome 1. Last evaluated: 2013-10-01. Review status: no assertion criteria provided. Collection method: clinical testing. Allele origin: de novo. Affected: yes. Observed: 2 variant alleles. Not counted in ClinVar's aggregate classification.

Literature cited by the submitters: PubMed 27302555 (cited by Labcorp Genetics (formerly Invitae), Labcorp and Ambry Genetics); PubMed 32037394 (cited by Ambry Genetics and 3billion); PubMed 37745857 (cited by Ambry Genetics).